The following is an entry in ClinVar:

ClinVar aggregate classification (germline): Pathogenic (1 of 4 stars; one submission).

Conditions:
Glycogen storage disease, type II (IOPD). Also called: Pompe Disease; CARDIOMEGALIA GLYCOGENICA DIFFUSA; GLYCOGENOSIS, GENERALIZED, CARDIAC FORM; GSD II; POMPE DISEASE, INFANTILE-ONSET; GLYCOGEN STORAGE DISEASE II, INFANTILE-ONSET. Identifiers: Orphanet 365, MedGen C0017921, MONDO:0009290, OMIM 232300.

Submission:

Genomenon, Inc
Classification: Pathogenic for Glycogen storage disease, type II. Last evaluated: 2026-07-01. Review status: criteria provided, single submitter. Criteria: Genomenon Sequence Variant Interpretation Standards - Updated. Collection method: curation. Allele origin: germline. Affected: yes.
Comment: GAA c.1754+1_1754+12delinsCCA is a deletion-insertion variant that affects the donor splice site of intron 12. It is predicted to affect mRNA splicing, leading to a deleterious effect on the GAA protein. This variant has been observed in at least one proband with a GAA-related disorder (PMID:33073007). It is absent or not present at a significant frequency in gnomAD. In conclusion, we classify GAA c.1754+1_1754+12delinsCCA as a pathogenic variant.

Literature cited by the submitters: PubMed 33073007.

NM_000152.5(GAA):c.1754+1_1754+12delinsCCA

Gene: GAA (alpha glucosidase; plus strand). Cytogenetic location: 17q25.3.
Variant type: Indel.
Coding change: c.1754+1_1754+12delinsCCA on transcript NM_000152.5 (MANE Select); the canonical splice donor site of the intron after coding-DNA position 1754 through 12 bases into the intron after coding-DNA position 1754, GTGAGGGCCACG replaced by CCA.
Molecular consequence: splice donor variant.
Genome position (GRCh38, 1-based): chr17:80,112,101-80,112,112, GTGAGGGCCACG replaced by CCA. VCF-style: chr17-80112101-GTGAGGGCCACG-CCA. GRCh37 (hg19) VCF-style: chr17-78085900-GTGAGGGCCACG-CCA.
Other names: c.1754+1_1754+12delinsCCA (NM_001406741.1, NM_001406742.1, NM_001079803.3 and 1 more transcripts).
Identifiers: ClinVar variation 4876345 (VCV004876345.1).